The following is an entry in ClinVar:

ClinVar aggregate classification (germline): Uncertain significance (1 of 4 stars; one submission).

Conditions:
Cardiovascular phenotype. Identifiers: MedGen CN230736.

Submission:

Ambry Genetics
Classification: Uncertain significance for Cardiovascular phenotype. Last evaluated: 2026-04-09. Review status: criteria provided, single submitter. Criteria: Ambry Variant Classification Scheme 2023. Collection method: clinical testing. Allele origin: germline.
Comment: The p.D359E variant (also known as c.1077C>A), located in coding exon 9 of the EFEMP2 gene, results from a C to A substitution at nucleotide position 1077. The aspartic acid at codon 359 is replaced by glutamic acid, an amino acid with highly similar properties. This amino acid position is conserved. In addition, the in silico prediction for this alteration is inconclusive. Based on the available evidence, the clinical significance of this variant remains unclear.

NM_016938.5(EFEMP2):c.1077C>A (p.Asp359Glu)

Gene: EFEMP2 (EGF-like fibulin extracellular matrix protein 2; minus strand). Cytogenetic location: 11q13.1.
Variant type: single nucleotide variant.
Coding change: c.1077C>A on transcript NM_016938.5 (MANE Select); coding-DNA position 1077, C replaced by A.
Protein change: p.Asp359Glu; replaces aspartic acid 359 with glutamic acid.
Molecular consequence: missense variant. On other transcripts: non-coding transcript variant (1).
Genome position (GRCh38, 1-based): chr11:65,867,954, G>T on the plus strand (C>A on the coding strand, the complement: EFEMP2 is on the minus strand). VCF-style: chr11-65867954-G-T. GRCh37 (hg19) VCF-style: chr11-65635425-G-T.
Other names: short protein forms D359E.
Identifiers: ClinVar variation 4870190 (VCV004870190.1).